The following is an entry in ClinVar:

NM_001184.4(ATR):c.3319T>C (p.Tyr1107His)

Gene: ATR (ATR checkpoint kinase; minus strand). Cytogenetic location: 3q23.
Variant type: single nucleotide variant.
Coding change: c.3319T>C on transcript NM_001184.4 (MANE Select); coding-DNA position 3319, T replaced by C.
Protein change: p.Tyr1107His; replaces tyrosine 1107 with histidine.
Molecular consequence: missense variant.
Genome position (GRCh38, 1-based): chr3:142,547,763, A>G on the plus strand (T>C on the coding strand, the complement: ATR is on the minus strand). VCF-style: chr3-142547763-A-G. GRCh37 (hg19) VCF-style: chr3-142266605-A-G.
Other names: c.3319T>C (NM_001184.3); c.3127T>C, p.Tyr1043His (NM_001354579.2); short protein forms Y1043H, Y1107H.
Identifiers: ClinVar variation 1431886 (VCV001431886.9), dbSNP rs368676027, ClinGen allele CA2650163.

ClinVar aggregate classification (germline): Uncertain significance. Review status: criteria provided, multiple submitters, no conflicts (2 of 4 stars). 2 submissions from 2 submitters: Uncertain significance (2). Last evaluated 2025-11-25.

Conditions:
Inborn genetic diseases. Identifiers: MedGen C0950123, MeSH D030342.

Allele frequency attached by ClinVar (database versions not stated): TOPMed 0.00002; gnomAD 0.00001; ExAC 0.00002; ESP Exome Variant Server 0.00008; gnomAD exomes 0.00002.
gnomAD v4.1: 29 of 1,613,882 alleles (0.0018%); highest among the groups gnomAD compares: Non-Finnish European, 0.0023%; no homozygotes.

Submissions (2):

Ambry Genetics
Classification: Uncertain significance for Inborn genetic diseases. Last evaluated: 2025-11-25. Review status: criteria provided, single submitter. Criteria: Ambry Variant Classification Scheme 2023. Collection method: clinical testing. Allele origin: germline.

Labcorp Genetics (formerly Invitae), Labcorp
Classification: Uncertain significance. Last evaluated: 2023-11-14. Review status: criteria provided, single submitter. Criteria: Invitae Variant Classification Sherloc (09022015). Collection method: clinical testing. Allele origin: germline.
Comment: This sequence change replaces tyrosine, which is neutral and polar, with histidine, which is basic and polar, at codon 1107 of the ATR protein (p.Tyr1107His). This variant is present in population databases (rs368676027, gnomAD 0.003%). This variant has not been reported in the literature in individuals affected with ATR-related conditions. ClinVar contains an entry for this variant (Variation ID: 1431886). An algorithm developed to predict the effect of missense changes on protein structure and function (PolyPhen-2) suggests that this variant is likely to be disruptive. In summary, the available evidence is currently insufficient to determine the role of this variant in disease. Therefore, it has been classified as a Variant of Uncertain Significance.